The following is an entry in ClinVar:

ClinVar aggregate classification (germline): Pathogenic/Likely pathogenic. Review status: criteria provided, multiple submitters, no conflicts (2 of 4 stars). 2 submissions from 2 submitters: Pathogenic (1); Likely pathogenic (1). Last evaluated 2026-09-04.

Conditions:
Familial thoracic aortic aneurysm and aortic dissection (TAAD). Also called: Thoracic aortic aneurysms and dissections. Identifiers: Orphanet 91387, MedGen C4707243, MONDO:0019625.
Marfan syndrome (MFS). Also called: Marfan's syndrome; Marfan syndrome, classic; Marfan syndrome type 1; MARFAN SYNDROME, TYPE I; FBN1-Related Marfan Syndrome. Identifiers: Orphanet 284963, Orphanet 558, MedGen C0024796, MONDO:0007947, OMIM 154700.

Submissions (2):

Ambry Genetics
Classification: Likely pathogenic for Familial thoracic aortic aneurysm and aortic dissection. Last evaluated: 2026-09-04. Review status: criteria provided, single submitter. Criteria: Ambry Variant Classification Scheme 2023. Collection method: clinical testing. Allele origin: germline.
Comment: The p.G1780V variant (also known as c.5339G>T), located in coding exon 43 of the FBN1 gene, results from a G to T substitution at nucleotide position 5339. The glycine at codon 1780 is replaced by valine, an amino acid with dissimilar properties. This variant was reported in individual(s) with features consistent with Marfan syndrome and related fibrillinopathies (external communication). This variant alters a critical glycine in a sterically constrained region and is expected to disrupt FBN1 function (Van Kien PK et al. Hum Mutat. 2010;31(1):E1021-42). This amino acid position is highly conserved in available vertebrate species. In addition, this alteration is predicted to be deleterious by in silico analysis. This variant is considered to be rare based on population cohorts in the Genome Aggregation Database (gnomAD). Based on the majority of available evidence to date, this variant is likely to be pathogenic.

Labcorp Genetics (formerly Invitae), Labcorp
Classification: Pathogenic for Marfan syndrome; Familial thoracic aortic aneurysm and aortic dissection. Last evaluated: 2021-08-01. Review status: criteria provided, single submitter. Criteria: Invitae Variant Classification Sherloc (09022015). Collection method: clinical testing. Allele origin: germline.
Comment: This missense change has been observed in individual(s) with clinical features of Marfan syndrome (Invitae). This variant is not present in population databases (ExAC no frequency). This sequence change replaces glycine with valine at codon 1780 of the FBN1 protein (p.Gly1780Val). The glycine residue is highly conserved and there is a moderate physicochemical difference between glycine and valine. For these reasons, this variant has been classified as Pathogenic. This variant disrupts the p.Gly1780 amino acid residue in FBN1. Other variant(s) that disrupt this residue have been observed in individuals with FBN1-related conditions (PMID: 19802897, 32679894; Invitae), which suggests that this may be a clinically significant amino acid residue. Advanced modeling of protein sequence and biophysical properties (such as structural, functional, and spatial information, amino acid conservation, physicochemical variation, residue mobility, and thermodynamic stability) performed at Invitae indicates that this missense variant is expected to disrupt FBN1 protein function.

Literature cited by the submitters: PubMed 19802897 (cited by Labcorp Genetics (formerly Invitae), Labcorp); PubMed 32679894 (cited by Labcorp Genetics (formerly Invitae), Labcorp).

NM_000138.5(FBN1):c.5339G>T (p.Gly1780Val)

Gene: FBN1 (fibrillin 1; minus strand). Cytogenetic location: 15q21.1.
Variant type: single nucleotide variant.
Coding change: c.5339G>T on transcript NM_000138.5 (MANE Select); coding-DNA position 5339, G replaced by T.
Protein change: p.Gly1780Val; replaces glycine 1780 with valine.
Molecular consequence: missense variant.
Genome position (GRCh38, 1-based): chr15:48,456,720, C>A on the plus strand (G>T on the coding strand, the complement: FBN1 is on the minus strand). VCF-style: chr15-48456720-C-A. GRCh37 (hg19) VCF-style: chr15-48748917-C-A.
Other names: short protein forms G1780V.
Identifiers: ClinVar variation 1394315 (VCV001394315.9), dbSNP rs2141260428, ClinGen allele CA392346232.